The following is an entry in ClinVar:

ClinVar aggregate classification (germline): Pathogenic (1 of 4 stars; one submission).

Conditions:
Spongy degeneration of central nervous system. Also called: AMINOACYLASE 2 DEFICIENCY; ACY2 DEFICIENCY; ASP DEFICIENCY; ASPA DEFICIENCY; ASPARTOACYLASE DEFICIENCY; CANAVAN-VAN BOGAERT-BERTRAND DISEASE. Identifiers: Orphanet 141, MedGen C0206307, MONDO:0010079, OMIM 271900.

Submission:

Labcorp Genetics (formerly Invitae), Labcorp
Classification: Pathogenic for Spongy degeneration of central nervous system. Last evaluated: 2023-06-15. Review status: criteria provided, single submitter. Criteria: Invitae Variant Classification Sherloc (09022015). Collection method: clinical testing. Allele origin: germline.
Comment: For these reasons, this variant has been classified as Pathogenic. This variant has not been reported in the literature in individuals affected with ASPA-related conditions. This variant is not present in population databases (gnomAD no frequency). This sequence change creates a premature translational stop signal (p.Thr53Ilefs*6) in the ASPA gene. It is expected to result in an absent or disrupted protein product. Loss-of-function variants in ASPA are known to be pathogenic (PMID: 12638939).

Literature cited by the submitters: PubMed 12638939.

NM_000049.4(ASPA):c.158del (p.Thr53fs)

Genes: ASPA (aspartoacylase; plus strand), SPATA22 (spermatogenesis associated 22; minus strand). Cytogenetic location: 17p13.2.
Variant type: Deletion.
Coding change: c.158del on transcript NM_000049.4 (MANE Select); coding-DNA position 158, one base deleted (C; older notation c.158delC).
Protein change: p.Thr53fs; shifts the reading frame from threonine 53.
Molecular consequence: frameshift variant. On other transcripts: intron variant (2).
Genome position (GRCh38, 1-based): chr17:3,476,317, C deleted. VCF-style (leftmost placement, unchanged base first): chr17-3476316-AC-A. GRCh37 (hg19) VCF-style: chr17-3379610-AC-A.
Other names: c.158del, p.Thr53fs (NM_001128085.1); c.-73-6919del (NM_001321336.2, NM_001321337.2); short protein forms T53fs.
Identifiers: ClinVar variation 2715769 (VCV002715769.3), dbSNP rs2543606824, ClinGen allele CA2697556100.